The following is an entry in ClinVar:

NM_002160.4(TNC):c.1337G>A (p.Arg446Gln)

Gene: TNC (tenascin C; minus strand). Cytogenetic location: 9q33.1.
Variant type: single nucleotide variant.
Coding change: c.1337G>A on transcript NM_002160.4 (MANE Select); coding-DNA position 1337, G replaced by A.
Protein change: p.Arg446Gln; replaces arginine 446 with glutamine.
Molecular consequence: missense variant.
Genome position (GRCh38, 1-based): chr9:115,086,394, C>T on the plus strand (G>A on the coding strand, the complement: TNC is on the minus strand). VCF-style: chr9-115086394-C-T. GRCh37 (hg19) VCF-style: chr9-117848673-C-T.
Other names: c.1337G>A, p.Arg446Gln (NM_001410991.1, NM_001439065.1, NM_001439066.1 and 35 more transcripts); short protein forms R446Q.
Identifiers: ClinVar variation 4986079 (VCV004986079.1).

ClinVar aggregate classification (germline): Uncertain significance (1 of 4 stars; one submission).

Conditions:
TNC-related disorder. Also called: TNC-related condition.

gnomAD v4.1: 113 of 1,613,916 alleles (0.007%); highest among the groups gnomAD compares: Middle Eastern, 0.066%; no homozygotes.

Submission:

PreventionGenetics, part of Exact Sciences
Classification: Uncertain significance for TNC-related condition. Last evaluated: 2025-12-02. Review status: criteria provided, single submitter. Criteria: ACMG Guidelines, 2015. Collection method: clinical testing. Allele origin: germline.
Comment: The TNC c.1337G>A variant is predicted to result in the amino acid substitution p.Arg446Gln. To our knowledge, this variant has not been reported in the literature. This variant is reported in 0.016% of alleles in individuals of European (Non-Finnish) descent in gnomAD. Although we suspect that this variant may be benign, at this time, the clinical significance of this variant is uncertain due to the absence of conclusive functional and genetic evidence.